The following is an entry in ClinVar:

NM_175914.5(HNF4A):c.529G>A (p.Val177Ile)

Gene: HNF4A (hepatocyte nuclear factor 4 alpha; plus strand). Cytogenetic location: 20q13.12.
Variant type: single nucleotide variant.
Coding change: c.529G>A on transcript NM_175914.5 (MANE Select); coding-DNA position 529, G replaced by A.
Protein change: p.Val177Ile; replaces valine 177 with isoleucine.
Molecular consequence: missense variant.
Genome position (GRCh38, 1-based): chr20:44,414,609, G>A. VCF-style: chr20-44414609-G-A. GRCh37 (hg19) VCF-style: chr20-43043249-G-A.
Other names: c.595G>A, p.Val199Ile (NM_000457.6, NM_178849.3, NM_178850.3); c.529G>A, p.Val177Ile (NM_001030003.3, NM_001030004.3); c.574G>A, p.Val192Ile (NM_001258355.2); c.520G>A, p.Val174Ile (NM_001287182.2, NM_001287183.2, NM_001287184.2); c.529G>A (NM_175914.4); short protein forms V174I, V177I, V192I, V199I.
Identifiers: ClinVar variation 1216008 (VCV001216008.6), dbSNP rs952494962, ClinGen allele CA315408928.

ClinVar aggregate classification (germline): Conflicting classifications of pathogenicity. Review status: criteria provided, conflicting classifications (1 of 4 stars). 3 submissions from 3 submitters: Uncertain significance (2); Likely benign (1). Last evaluated 2025-04-20.

Conditions:
Maturity-onset diabetes of the young type 1. Also called: MODY, type I; MILD JUVENILE DIABETES MELLITUS; MODY type 1; Diabetes mellitus MODY type 1; MODY HNF4A related; HNF4A-Related Maturity-Onset Diabetes of the Young Type 1. Identifiers: Orphanet 552, MedGen C1852093, MONDO:0007452, OMIM 125850. Disease mechanism: loss of function.

Allele frequency attached by ClinVar (database versions not stated): gnomAD exomes below 0.00001; TOPMed below 0.00001; gnomAD 0.00001.
gnomAD v4.1: 5 of 1,613,844 alleles (0.00031%); highest among the groups gnomAD compares: South Asian, 0.0022%; no homozygotes.

Submissions (3):

Clinical Genomics Laboratory, Washington University in St. Louis
Classification: Uncertain significance for Maturity-onset diabetes of the young type 1. Last evaluated: 2025-04-20. Review status: criteria provided, single submitter. Criteria: ACMG Guidelines, 2015. Collection method: clinical testing. Allele origin: germline.
Comment: An HNF4A c.529G>A (p.Val177Ile) variant was identified in a heterozygous state. This variant has been reported in a single family with type II diabetes, however, the affected individuals in this family also had additional variants in the HNF4A gene (Gragnoli C et al., PMID: 15281001). It has been reported in the ClinVar database as a germline variant of uncertain significance by one submitter and a likely benign variant by one submitter (ClinVar variation ID: 1216008). The HNF4A c.529G>A (p.Val177Ile) is only observed on 2/282,106 alleles in the general population (gnomAD v.2.1.1), indicating it is not a common variant. Computational predictors are uncertain as to the impact of this variant on HNF4A function. Due to limited information, and based on ACMG/AMP guidelines for variant interpretation (Richards S et al., PMID: 25741868), the clinical significance of this variant is uncertain at this time.

Labcorp Genetics (formerly Invitae), Labcorp
Classification: Uncertain significance. Last evaluated: 2024-09-10. Review status: criteria provided, single submitter. Criteria: Invitae Variant Classification Sherloc (09022015). Collection method: clinical testing. Allele origin: germline.
Comment: This sequence change replaces valine, which is neutral and non-polar, with isoleucine, which is neutral and non-polar, at codon 177 of the HNF4A protein (p.Val177Ile). This variant is present in population databases (no rsID available, gnomAD 0.003%). This missense change has been observed in individual(s) with maturity onset diabetes of the young (PMID: 15281001). It has also been observed to segregate with disease in related individuals. This variant is also known as p.Val199Ile. ClinVar contains an entry for this variant (Variation ID: 1216008). Invitae Evidence Modeling of protein sequence and biophysical properties (such as structural, functional, and spatial information, amino acid conservation, physicochemical variation, residue mobility, and thermodynamic stability) has been performed for this missense variant. However, the output from this modeling did not meet the statistical confidence thresholds required to predict the impact of this variant on HNF4A protein function. In summary, the available evidence is currently insufficient to determine the role of this variant in disease. Therefore, it has been classified as a Variant of Uncertain Significance.

GeneDx
Classification: Likely benign. Last evaluated: 2021-04-23. Review status: criteria provided, single submitter. Criteria: GeneDx Variant Classification Process June 2021. Collection method: clinical testing. Allele origin: germline. Affected: yes.
Comment: Has not been previously published as pathogenic or benign to our knowledge; In silico analysis supports that this missense variant does not alter protein structure/function

Literature cited by the submitters: PubMed 15281001 (cited by Labcorp Genetics (formerly Invitae), Labcorp).